The following is an entry in ClinVar:

ClinVar aggregate classification (germline): Likely pathogenic (1 of 4 stars; one submission).

Submission:

Labcorp Genetics (formerly Invitae), Labcorp
Classification: Likely pathogenic. Last evaluated: 2020-11-16. Review status: criteria provided, single submitter. Criteria: Invitae Variant Classification Sherloc (09022015). Collection method: clinical testing. Allele origin: germline.
Comment: This variant has been observed in individual(s) with Stargardt disease (Invitae). ClinVar contains an entry for this variant (Variation ID: 834140). In summary, the currently available evidence indicates that the variant is pathogenic, but additional data are needed to prove that conclusively. Therefore, this variant has been classified as Likely Pathogenic. Algorithms developed to predict the effect of sequence changes on RNA splicing suggest that this variant may disrupt the consensus splice site, but this prediction has not been confirmed by published transcriptional studies. This variant is not present in population databases (ExAC no frequency). This sequence change affects a donor splice site in intron 1 of the ABCA4 gene. It is expected to disrupt RNA splicing. Variants that disrupt the donor or acceptor splice site typically lead to a loss of protein function (PMID: 16199547), and loss-of-function variants in ABCA4 are known to be pathogenic (PMID: 10958761, 24938718, 25312043, 26780318).

Literature cited by the submitters: PubMed 16199547; PubMed 10958761; PubMed 24938718; PubMed 25312043; PubMed 26780318.

NM_000350.3(ABCA4):c.66+1del

Gene: ABCA4 (ATP binding cassette subfamily A member 4; minus strand). Cytogenetic location: 1p22.1.
Variant type: Deletion.
Coding change: c.66+1del on transcript NM_000350.3 (MANE Select); the canonical splice donor site of the intron after coding-DNA position 66, one base deleted (G; older notation c.66+1delG).
Molecular consequence: splice donor variant.
Genome position (GRCh38, 1-based): chr1:94,120,979, C deleted on the plus strand (G on the coding strand, the reverse complement: ABCA4 is on the minus strand); the first of 2 consecutive C bases (chr1:94,120,979-94,120,980); deleting either gives the same sequence. VCF-style (leftmost placement, unchanged base first): chr1-94120978-AC-A. GRCh37 (hg19) VCF-style: chr1-94586534-AC-A.
Identifiers: ClinVar variation 834140 (VCV000834140.11), dbSNP rs1662934446, ClinGen allele CA916082055.